The following is an entry in ClinVar:

NM_001447.3(FAT2):c.7221C>G (p.Asp2407Glu)

Genes: FAT2 (FAT atypical cadherin 2; minus strand), SLC36A1 (solute carrier family 36 member 1; plus strand). Cytogenetic location: 5q33.1.
Variant type: single nucleotide variant.
Coding change: c.7221C>G on transcript NM_001447.3 (MANE Select); coding-DNA position 7221, C replaced by G.
Protein change: p.Asp2407Glu; replaces aspartic acid 2407 with glutamic acid.
Molecular consequence: missense variant.
Genome position (GRCh38, 1-based): chr5:151,543,906, G>C on the plus strand (C>G on the coding strand, the complement: FAT2 is on the minus strand). VCF-style: chr5-151543906-G-C. GRCh37 (hg19) VCF-style: chr5-150923467-G-C.
Other names: short protein forms D2407E.
Identifiers: ClinVar variation 4085485 (VCV004085485.9).

ClinVar aggregate classification (germline): Uncertain significance. Review status: criteria provided, multiple submitters, no conflicts (2 of 4 stars). 2 submissions from 2 submitters: Uncertain significance (2). Last evaluated 2025-07-01.

gnomAD v4.1: 4 of 1,614,104 alleles (0.00025%); highest among the groups gnomAD compares: Non-Finnish European, 0.00034%; no homozygotes.

Submissions (2):

CeGaT Center for Human Genetics Tuebingen
Classification: Uncertain significance. Last evaluated: 2025-07-01. Review status: criteria provided, single submitter. Criteria: CeGaT Center For Human Genetics Tuebingen Variant Classification Criteria Version 2. Collection method: clinical testing. Allele origin: germline. Affected: yes. Observed: 1 variant allele.
Comment: FAT2: PM2:Supporting, PP2

Labcorp Genetics (formerly Invitae), Labcorp
Classification: Uncertain significance. Last evaluated: 2025-03-31. Review status: criteria provided, single submitter. Criteria: Invitae Variant Classification Sherloc (09022015). Collection method: clinical testing. Allele origin: germline.
Comment: This sequence change replaces aspartic acid, which is acidic and polar, with glutamic acid, which is acidic and polar, at codon 2407 of the FAT2 protein (p.Asp2407Glu). This variant is not present in population databases (gnomAD no frequency). This variant has not been reported in the literature in individuals affected with FAT2-related conditions. Invitae Evidence Modeling of protein sequence and biophysical properties (such as structural, functional, and spatial information, amino acid conservation, physicochemical variation, residue mobility, and thermodynamic stability) indicates that this missense variant is not expected to disrupt FAT2 protein function with a negative predictive value of 80%. In summary, the available evidence is currently insufficient to determine the role of this variant in disease. Therefore, it has been classified as a Variant of Uncertain Significance.